The following is an entry in ClinVar:

ClinVar aggregate classification (germline): Uncertain significance. Review status: criteria provided, multiple submitters, no conflicts (2 of 4 stars). 4 submissions from 4 submitters: Uncertain significance (4). Last evaluated 2024-05-20.

Conditions:
Hereditary cancer-predisposing syndrome. Also called: Neoplastic Syndromes, Hereditary; Hereditary Cancer Syndrome; Tumor predisposition; Hereditary neoplastic syndrome. Identifiers: Orphanet 140162, MedGen C0027672, MeSH D009386, MONDO:0015356.
Familial adenomatous polyposis 1 (FAP1). Also called: FAMILIAL ADENOMATOUS POLYPOSIS 1, ATTENUATED; POLYPOSIS, ADENOMATOUS INTESTINAL. Identifiers: MedGen C2713442, MONDO:0021056, OMIM 175100. Disease mechanism: loss of function.

Allele frequency attached by ClinVar (database versions not stated): gnomAD exomes below 0.00001; gnomAD 0.00001.
gnomAD v4.1: 2 of 1,613,926 alleles (0.00012%); highest among the groups gnomAD compares: African/African-American, 0.0013%; no homozygotes.

Submissions (4):

Labcorp Genetics (formerly Invitae), Labcorp
Classification: Uncertain significance for Familial adenomatous polyposis 1. Last evaluated: 2024-05-20. Review status: criteria provided, single submitter. Criteria: Invitae Variant Classification Sherloc (09022015). Collection method: clinical testing. Allele origin: germline.
Comment: This sequence change replaces lysine, which is basic and polar, with glutamine, which is neutral and polar, at codon 2050 of the APC protein (p.Lys2050Gln). This variant is present in population databases (no rsID available, gnomAD 0.0009%). This variant has not been reported in the literature in individuals affected with APC-related conditions. ClinVar contains an entry for this variant (Variation ID: 927396). Advanced modeling of protein sequence and biophysical properties (such as structural, functional, and spatial information, amino acid conservation, physicochemical variation, residue mobility, and thermodynamic stability) performed at Invitae indicates that this missense variant is not expected to disrupt APC protein function with a negative predictive value of 95%. In summary, the available evidence is currently insufficient to determine the role of this variant in disease. Therefore, it has been classified as a Variant of Uncertain Significance.

Baylor Genetics
Classification: Uncertain significance for Familial adenomatous polyposis 1. Last evaluated: 2024-03-05. Review status: criteria provided, single submitter. Criteria: ACMG Guidelines, 2015. Collection method: clinical testing. Allele origin: unknown.

Color Diagnostics, LLC DBA Color Health
Classification: Uncertain significance for Hereditary cancer-predisposing syndrome. Last evaluated: 2023-12-04. Review status: criteria provided, single submitter. Criteria: ACMG Guidelines, 2015. Collection method: clinical testing. Allele origin: germline.
Comment: This missense variant replaces lysine with glutamine at codon 2050 of the APC protein. Computational prediction is inconclusive regarding the impact of this variant on protein structure and function (internally defined REVEL score threshold 0.5 < inconclusive < 0.7, PMID: 27666373). To our knowledge, functional studies have not been reported for this variant. This variant has not been reported in individuals affected with APC-related disorders in the literature. This variant has been identified in 1/250860 chromosomes in the general population by the Genome Aggregation Database (gnomAD). The available evidence is insufficient to determine the role of this variant in disease conclusively. Therefore, this variant is classified as a Variant of Uncertain Significance.

Ambry Genetics
Classification: Uncertain significance for Hereditary cancer-predisposing syndrome. Last evaluated: 2020-09-14. Review status: criteria provided, single submitter. Criteria: Ambry Variant Classification Scheme 2023. Collection method: clinical testing. Allele origin: germline.
Comment: The p.K2050Q variant (also known as c.6148A>C), located in coding exon 15 of the APC gene, results from an A to C substitution at nucleotide position 6148. The lysine at codon 2050 is replaced by glutamine, an amino acid with similar properties. This amino acid position is highly conserved in available vertebrate species. In addition, in silico predictors for this gene do not accurately predict pathogenicity. Since supporting evidence is limited at this time, the clinical significance of this alteration remains unclear.

NM_000038.6(APC):c.6148A>C (p.Lys2050Gln)

Gene: APC (APC regulator of Wnt signaling pathway; plus strand). Cytogenetic location: 5q22.2.
Variant type: single nucleotide variant.
Coding change: c.6148A>C on transcript NM_000038.6 (MANE Select); coding-DNA position 6148, A replaced by C.
Protein change: p.Lys2050Gln; replaces lysine 2050 with glutamine.
Molecular consequence: missense variant.
Genome position (GRCh38, 1-based): chr5:112,841,742, A>C. VCF-style: chr5-112841742-A-C. GRCh37 (hg19) VCF-style: chr5-112177439-A-C.
Other names: c.6148A>C, p.Lys2050Gln (NM_001127510.3, NM_001354895.2); c.6094A>C, p.Lys2032Gln (NM_001127511.3); c.6202A>C, p.Lys2068Gln (NM_001354896.2); c.6178A>C, p.Lys2060Gln (NM_001354897.2); c.6073A>C, p.Lys2025Gln (NM_001354898.2); c.6064A>C, p.Lys2022Gln (NM_001354899.2); c.6025A>C, p.Lys2009Gln (NM_001354900.2); c.5971A>C, p.Lys1991Gln (NM_001354901.2); and 5 more; short protein forms K1890Q, K2009Q, K2022Q, K2050Q, K1767Q, K1924Q, K1949Q, K1959Q.
Identifiers: ClinVar variation 927396 (VCV000927396.13), dbSNP rs1186599153, ClinGen allele CA16034790.